The following is an entry in ClinVar:

NM_005235.3(ERBB4):c.3174dup (p.Met1059fs)

Gene: ERBB4 (erb-b2 receptor tyrosine kinase 4; minus strand). Cytogenetic location: 2q34.
Variant type: Duplication.
Coding change: c.3174dup on transcript NM_005235.3 (MANE Select); coding-DNA position 3174, one base duplicated (C; older notation c.3174dupC).
Protein change: p.Met1059fs; shifts the reading frame from methionine 1059.
Molecular consequence: frameshift variant. On other transcripts: intron variant (2).
Genome position (GRCh38, 1-based): chr2:211,387,954, G duplicated on the plus strand (C on the coding strand, the reverse complement: ERBB4 is on the minus strand); the first of 5 consecutive G bases (chr2:211,387,954-211,387,958); duplicating any one gives the same sequence. VCF-style (leftmost placement, unchanged base first): chr2-211387953-T-TG. GRCh37 (hg19) VCF-style: chr2-212252678-T-TG.
Other names: c.3144dup, p.Met1049fs (NM_001439005.1); c.3136-804dup (NM_001042599.2); c.3106-804dup (NM_001439006.1); short protein forms M1049fs, M1059fs.
Identifiers: ClinVar variation 4822860 (VCV004822860.4).

ClinVar aggregate classification (germline): Uncertain significance (1 of 4 stars; one submission).

Submission:

CeGaT Center for Human Genetics Tuebingen
Classification: Uncertain significance. Last evaluated: 2026-02-01. Review status: criteria provided, single submitter. Criteria: CeGaT Center For Human Genetics Tuebingen Variant Classification Criteria Version 2. Collection method: clinical testing. Allele origin: germline. Affected: yes. Observed: 1 variant allele.
Comment: ERBB4: PM2, PVS1:Moderate